The following is an entry in ClinVar:

NM_033056.4(PCDH15):c.5318C>G (p.Pro1773Arg)

Gene: PCDH15 (protocadherin related 15; minus strand). Cytogenetic location: 10q21.1.
Variant type: single nucleotide variant.
Coding change: c.5318C>G on transcript NM_033056.4 (MANE Plus Clinical); coding-DNA position 5318, C replaced by G.
Protein change: p.Pro1773Arg; replaces proline 1773 with arginine.
Molecular consequence: missense variant. On other transcripts: intron variant (8).
Genome position (GRCh38, 1-based): chr10:53,822,408, G>C on the plus strand (C>G on the coding strand, the complement: PCDH15 is on the minus strand). VCF-style: chr10-53822408-G-C. GRCh37 (hg19) VCF-style: chr10-55582168-G-C.
Other names: c.5339C>G, p.Pro1780Arg (NM_001142763.2); c.5324C>G, p.Pro1775Arg (NM_001142764.2); c.5111C>G, p.Pro1704Arg (NM_001142765.2); c.5309C>G, p.Pro1770Arg (NM_001142766.2); c.5198C>G, p.Pro1733Arg (NM_001142767.2); c.5258C>G, p.Pro1753Arg (NM_001142768.2); c.5249C>G, p.Pro1750Arg (NM_001142773.2); c.5252C>G, p.Pro1751Arg (NM_001354404.2); and 7 more; short protein forms P1773R, P1780R, P1750R, P1751R, P1753R, P1775R, P1704R, P1733R.
Identifiers: ClinVar variation 300171 (VCV000300171.21), dbSNP rs745583797, ClinGen allele CA5505069.

ClinVar aggregate classification (germline): Uncertain significance. Review status: criteria provided, multiple submitters, no conflicts (2 of 4 stars). 7 submissions from 7 submitters: Uncertain significance (6). 1 of the submissions does not count toward it. Last evaluated 2025-09-30.

Conditions:
Autosomal recessive nonsyndromic hearing loss 23. Identifiers: Orphanet 90636, MedGen C1836027, MONDO:0012293, OMIM 609533.
Usher syndrome type 1D (USH1D). Also called: USHER SYNDROME, TYPE ID. Identifiers: Orphanet 231169, Orphanet 886, MedGen C1832845, MONDO:0010984, OMIM 601067.
Usher syndrome type 1F (USH1F). Also called: USHER SYNDROME, TYPE IF. Identifiers: Orphanet 231169, Orphanet 886, MedGen C1865885, MONDO:0011186, OMIM 602083.
Usher syndrome type 1 (USH1). Also called: RETINITIS PIGMENTOSA AND CONGENITAL DEAFNESS. Identifiers: Orphanet 231169, Orphanet 886, MedGen C1568247, MONDO:0010168, OMIM 276900.

Allele frequency attached by ClinVar (database versions not stated): TOPMed 0.00003; gnomAD 0.00005; gnomAD exomes 0.00008 and 0.00006; ExAC 0.00007.
gnomAD v4.1: 91 of 1,576,698 alleles (0.0058%); highest among the groups gnomAD compares: Middle Eastern, 0.051%; no homozygotes.

Submissions (7):

GeneDx
Classification: Uncertain significance. Last evaluated: 2025-09-30. Review status: criteria provided, single submitter. Criteria: GeneDx Variant Classification Process June 2021. Collection method: clinical testing. Allele origin: germline. Affected: yes.
Comment: In silico analysis suggests that this missense variant does not alter protein structure/function; Has not been previously published as pathogenic or benign to our knowledge

Labcorp Genetics (formerly Invitae), Labcorp
Classification: Uncertain significance. Last evaluated: 2024-12-02. Review status: criteria provided, single submitter. Criteria: Invitae Variant Classification Sherloc (09022015). Collection method: clinical testing. Allele origin: germline.
Comment: This sequence change replaces proline, which is neutral and non-polar, with arginine, which is basic and polar, at codon 1773 of the PCDH15 protein (p.Pro1773Arg). This variant is present in population databases (rs745583797, gnomAD 0.01%). This variant has not been reported in the literature in individuals affected with PCDH15-related conditions. ClinVar contains an entry for this variant (Variation ID: 300171). Invitae Evidence Modeling of protein sequence and biophysical properties (such as structural, functional, and spatial information, amino acid conservation, physicochemical variation, residue mobility, and thermodynamic stability) indicates that this missense variant is not expected to disrupt PCDH15 protein function with a negative predictive value of 95%. In summary, the available evidence is currently insufficient to determine the role of this variant in disease. Therefore, it has been classified as a Variant of Uncertain Significance.

Blueprint Genetics
Classification: Uncertain significance. Last evaluated: 2024-09-02. Review status: criteria provided, single submitter. Criteria: ACMG Guidelines, 2015. Collection method: clinical testing. Allele origin: germline.

Fulgent Genetics
Classification: Uncertain significance for Usher syndrome type 1D; Usher syndrome type 1F; Autosomal recessive nonsyndromic hearing loss 23. Last evaluated: 2022-01-05. Review status: criteria provided, single submitter. Criteria: ACMG Guidelines, 2015. Collection method: clinical testing. Allele origin: unknown.

Genome-Nilou Lab
Classification: Uncertain significance for Usher syndrome type 1F. Last evaluated: 2021-05-18. Review status: criteria provided, single submitter. Criteria: ACMG Guidelines, 2015. Collection method: clinical testing. Allele origin: germline. Affected: no.

Illumina Laboratory Services, Illumina
Classification: Uncertain significance for Usher syndrome type 1. Last evaluated: 2018-01-12. Review status: criteria provided, single submitter. Criteria: ICSL Variant Classification Criteria 13 December 2019. Collection method: clinical testing. Allele origin: germline.

Natera, Inc.
Classification: Uncertain significance for Usher syndrome type 1F. Last evaluated: 2019-11-11. Review status: no assertion criteria provided. Collection method: clinical testing. Allele origin: germline. Not counted in ClinVar's aggregate classification.